The following is an entry in ClinVar:

ClinVar aggregate classification (germline): Uncertain significance (1 of 4 stars; one submission).

Allele frequency attached by ClinVar (database versions not stated): gnomAD exomes 0.00001; ExAC 0.00002.
gnomAD v4.1: 4 of 1,611,522 alleles (0.00025%); highest among the groups gnomAD compares: Non-Finnish European, 0.00025%; no homozygotes.

Submission:

Labcorp Genetics (formerly Invitae), Labcorp
Classification: Uncertain significance. Last evaluated: 2023-07-31. Review status: criteria provided, single submitter. Criteria: Invitae Variant Classification Sherloc (09022015). Collection method: clinical testing. Allele origin: germline.
Comment: This sequence change replaces serine, which is neutral and polar, with asparagine, which is neutral and polar, at codon 1542 of the DSCAML1 protein (p.Ser1542Asn). In summary, the available evidence is currently insufficient to determine the role of this variant in disease. Therefore, it has been classified as a Variant of Uncertain Significance. An algorithm developed to predict the effect of missense changes on protein structure and function (PolyPhen-2) suggests that this variant is likely to be tolerated. ClinVar contains an entry for this variant (Variation ID: 1960226). This variant has not been reported in the literature in individuals affected with DSCAML1-related conditions. This variant is present in population databases (rs776522303, gnomAD 0.003%).

NM_020693.4(DSCAML1):c.4445G>A (p.Ser1482Asn)

Gene: DSCAML1 (DS cell adhesion molecule like 1; minus strand). Cytogenetic location: 11q23.3.
Variant type: single nucleotide variant.
Coding change: c.4445G>A on transcript NM_020693.4 (MANE Select); coding-DNA position 4445, G replaced by A.
Protein change: p.Ser1482Asn; replaces serine 1482 with asparagine.
Molecular consequence: missense variant.
Genome position (GRCh38, 1-based): chr11:117,437,397, C>T on the plus strand (G>A on the coding strand, the complement: DSCAML1 is on the minus strand). VCF-style: chr11-117437397-C-T. GRCh37 (hg19) VCF-style: chr11-117308113-C-T.
Other names: short protein forms S1482N.
Identifiers: ClinVar variation 1960226 (VCV001960226.5), dbSNP rs776522303, ClinGen allele CA6296366.